The following is an entry in ClinVar:

ClinVar aggregate classification (germline): Uncertain significance (1 of 4 stars; one submission).

Submission:

Labcorp Genetics (formerly Invitae), Labcorp
Classification: Uncertain significance. Last evaluated: 2025-12-21. Review status: criteria provided, single submitter. Criteria: Invitae Variant Classification Sherloc (09022015). Collection method: clinical testing. Allele origin: germline.
Comment: This sequence change affects codon 206 of the NR3C1 mRNA. It is a 'silent' change, meaning that it does not change the encoded amino acid sequence of the NR3C1 protein. This variant is not present in population databases (gnomAD no frequency). This variant has not been reported in the literature in individuals affected with NR3C1-related conditions. Algorithms developed to predict the effect of sequence changes on RNA splicing suggest that this variant may create or strengthen a splice site. In summary, the available evidence is currently insufficient to determine the role of this variant in disease. Therefore, it has been classified as a Variant of Uncertain Significance.

NM_000176.3(NR3C1):c.618A>G (p.Lys206=)

Gene: NR3C1 (nuclear receptor subfamily 3 group C member 1; minus strand). Cytogenetic location: 5q31.3.
Variant type: single nucleotide variant.
Coding change: c.618A>G on transcript NM_000176.3 (MANE Select); coding-DNA position 618, A replaced by G.
Protein change: p.Lys206=; no amino-acid change (lysine 206 retained).
Molecular consequence: synonymous variant. On other transcripts: 5 prime UTR variant (3).
Genome position (GRCh38, 1-based): chr5:143,400,222, T>C on the plus strand (A>G on the coding strand, the complement: NR3C1 is on the minus strand). VCF-style: chr5-143400222-T-C. GRCh37 (hg19) VCF-style: chr5-142779787-T-C.
Other names: c.618A>G, p.Lys206= (NM_001018074.1, NM_001018075.1, NM_001018076.2 and 10 more transcripts); c.540A>G, p.Lys180= (NM_001204258.2); c.363A>G, p.Lys121= (NM_001204259.2); c.351A>G, p.Lys117= (NM_001204260.2); c.327A>G, p.Lys109= (NM_001204261.2); c.-328A>G (NM_001204262.2); c.-373A>G (NM_001204263.2); c.-388A>G (NM_001204264.2).
Identifiers: ClinVar variation 4776979 (VCV004776979.1).
Genomic context (GRCh38, chr5:143,400,222, plus strand): 5'-AGAAAGCAAACAGTTTTCATCTATCAACAGGTCTGATCTCCAAGGACTCTCATTCGTCTC[T>C]TTACCTGGGGACCCAGAAGAAAACTCCAAATCCTGCAAAATGTCAAAGGTGCTTTGGTCT-3'
Protein context (NP_000167.1, residues 196-216): DLEFSSGSPG[Lys206=]ETNESPWRSD